The following is an entry in ClinVar:

ClinVar aggregate classification (germline): Benign/Likely benign. Review status: criteria provided, multiple submitters, no conflicts (2 of 4 stars). 3 submissions from 3 submitters: Benign (1); Likely benign (2). Last evaluated 2026-01-16.

Conditions:
POLR1A-related disorder. Also called: POLR1A-related condition.

Allele frequency attached by ClinVar (database versions not stated): gnomAD 0.00056 and 0.00076; ESP Exome Variant Server 0.00064; TOPMed 0.00073; 1000 Genomes Project 30x 0.00141; 1000 Genomes Project 0.00180.
gnomAD v4.1: 1,447 of 1,601,474 alleles (0.09%); highest among the groups gnomAD compares: South Asian, 0.43%; 7 homozygotes.

Submissions (3):

PreventionGenetics, part of Exact Sciences
Classification: Likely benign for POLR1A-related condition. Last evaluated: 2026-01-16. Review status: criteria provided, single submitter. Criteria: ACMG Guidelines, 2015. Collection method: clinical testing. Allele origin: germline.
Comment: This variant is classified as likely benign based on ACMG/AMP sequence variant interpretation guidelines (Richards et al. 2015 PMID: 25741868, with internal and published modifications).

Labcorp Genetics (formerly Invitae), Labcorp
Classification: Benign. Last evaluated: 2026-01-15. Review status: criteria provided, single submitter. Criteria: Invitae Variant Classification Sherloc (09022015). Collection method: clinical testing. Allele origin: germline.

Blueprint Genetics
Classification: Likely benign. Last evaluated: 2024-11-07. Review status: criteria provided, single submitter. Criteria: ACMG Guidelines, 2015. Collection method: clinical testing. Allele origin: germline.

NM_015425.6(POLR1A):c.1612-5C>T

Genes: POLR1A (RNA polymerase I subunit A; minus strand), LOC126806264 (MED14-independent group 3 enhancer GRCh37_chr2:86296595-86297794; plus strand). Cytogenetic location: 2p11.2.
Variant type: single nucleotide variant.
Coding change: c.1612-5C>T on transcript NM_015425.6 (MANE Select); 5 bases into the intron before coding-DNA position 1612, C replaced by T.
Molecular consequence: intron variant.
Genome position (GRCh38, 1-based): chr2:86,070,277, G>A on the plus strand (C>T on the coding strand, the complement: POLR1A is on the minus strand). VCF-style: chr2-86070277-G-A. GRCh37 (hg19) VCF-style: chr2-86297400-G-A.
Identifiers: ClinVar variation 721375 (VCV000721375.12), dbSNP rs188842106, ClinGen allele CA1746266.